The following is an entry in ClinVar:

ClinVar aggregate classification (germline): Uncertain significance. Review status: criteria provided, multiple submitters, no conflicts (2 of 4 stars). 2 submissions from 2 submitters: Uncertain significance (2). Last evaluated 2024-05-21.

Conditions:
Glycogen storage disease, type V (GSD5). Also called: McArdle type glycogen storage disease; MCARDLE DISEASE; MUSCLE GLYCOGEN PHOSPHORYLASE DEFICIENCY; MYOPHOSPHORYLASE DEFICIENCY; PYGM DEFICIENCY. Identifiers: Orphanet 368, MedGen C0017924, MONDO:0009293, OMIM 232600.

Allele frequency attached by ClinVar (database versions not stated): TOPMed 0.00001; gnomAD 0.00001.

Submissions (2):

Fulgent Genetics
Classification: Uncertain significance for Glycogen storage disease, type V. Last evaluated: 2024-05-21. Review status: criteria provided, single submitter. Criteria: ACMG Guidelines, 2015. Collection method: clinical testing. Allele origin: germline.

GeneDx
Classification: Uncertain significance. Last evaluated: 2019-11-13. Review status: criteria provided, single submitter. Criteria: GeneDx Variant Classification Process June 2021. Collection method: clinical testing. Allele origin: germline. Affected: yes.
Comment: Not observed in large population cohorts (Lek et al., 2016); The majority of missense variants in this gene are considered pathogenic (Stenson et al., 2014); In silico analysis, which includes protein predictors and evolutionary conservation, supports that this variant does not alter protein structure/function; Has not been previously published as pathogenic or benign to our knowledge

NM_005609.4(PYGM):c.1598G>A (p.Arg533Gln)

Gene: PYGM (glycogen phosphorylase, muscle associated; minus strand). Cytogenetic location: 11q13.1.
Variant type: single nucleotide variant.
Coding change: c.1598G>A on transcript NM_005609.4 (MANE Select); coding-DNA position 1598, G replaced by A.
Protein change: p.Arg533Gln; replaces arginine 533 with glutamine.
Molecular consequence: missense variant.
Genome position (GRCh38, 1-based): chr11:64,752,425, C>T on the plus strand (G>A on the coding strand, the complement: PYGM is on the minus strand). VCF-style: chr11-64752425-C-T. GRCh37 (hg19) VCF-style: chr11-64519897-C-T.
Other names: c.1334G>A, p.Arg445Gln (NM_001164716.1); short protein forms R445Q, R533Q.
Identifiers: ClinVar variation 1309892 (VCV001309892.3), dbSNP rs1194180857, ClinGen allele CA381173627.
Genomic context (GRCh38, chr11:64,752,425, plus strand): 5'-CACACAGCACAGCTGTCCCACATTGCATCTCTCCCCACCTGCTTCACTTTGGCCACATCC[C>T]GAATGAAAGCTTCATCATCCACAAAGGAGAGCAGTTTGCGCAGCTGGTCCAGGTCAGAGA-3'
Protein context (NP_005600.1, residues 523-543): LSFVDDEAFI[Arg533Gln]DVAKVKQENK